The following is an entry in ClinVar:

ClinVar aggregate classification (germline): Benign (1 of 4 stars; one submission).

Allele frequency attached by ClinVar (database versions not stated): gnomAD 0.01577; TOPMed 0.01672; 1000 Genomes Project 0.01797; 1000 Genomes Project 30x 0.01843.

Submission:

GeneDx
Classification: Benign. Last evaluated: 2018-06-16. Review status: criteria provided, single submitter. Criteria: GeneDx Variant Classification (06012015). Collection method: clinical testing. Allele origin: germline. Affected: yes.
Comment: This variant is considered likely benign or benign based on one or more of the following criteria: it is a conservative change, it occurs at a poorly conserved position in the protein, it is predicted to be benign by multiple in silico algorithms, and/or has population frequency not consistent with disease.

NM_032861.4(SERAC1):c.609+63C>G

Gene: SERAC1 (serine active site containing 1; minus strand). Cytogenetic location: 6q25.3.
Variant type: single nucleotide variant.
Coding change: c.609+63C>G on transcript NM_032861.4 (MANE Select); 63 bases into the intron after coding-DNA position 609, C replaced by G.
Molecular consequence: intron variant.
Genome position (GRCh38, 1-based): chr6:158,144,236, G>C on the plus strand (C>G on the coding strand, the complement: SERAC1 is on the minus strand). VCF-style: chr6-158144236-G-C. GRCh37 (hg19) VCF-style: chr6-158565268-G-C.
Identifiers: ClinVar variation 671693 (VCV000671693.1), dbSNP rs73797649, ClinGen allele CA150944797.